The following is an entry in ClinVar:

ClinVar aggregate classification (germline): Uncertain significance. Review status: criteria provided, multiple submitters, no conflicts (2 of 4 stars). 3 submissions from 3 submitters: Uncertain significance (3). Last evaluated 2024-02-16.

Conditions:
Inborn genetic diseases. Identifiers: MedGen C0950123, MeSH D030342.

Allele frequency attached by ClinVar (database versions not stated): ExAC 0.00001; gnomAD exomes 0.00001.
gnomAD v4.1: 5 of 1,613,934 alleles (0.00031%); highest among the groups gnomAD compares: Non-Finnish European, 0.00042%; no homozygotes.

Submissions (3):

Blueprint Genetics
Classification: Uncertain significance. Last evaluated: 2024-02-16. Review status: criteria provided, single submitter. Criteria: ACMG Guidelines, 2015. Collection method: clinical testing. Allele origin: germline.

Ambry Genetics
Classification: Uncertain significance for Inborn genetic diseases. Last evaluated: 2022-11-08. Review status: criteria provided, single submitter. Criteria: Ambry Variant Classification Scheme 2023. Collection method: clinical testing. Allele origin: germline.

Labcorp Genetics (formerly Invitae), Labcorp
Classification: Uncertain significance. Last evaluated: 2021-12-20. Review status: criteria provided, single submitter. Criteria: Invitae Variant Classification Sherloc (09022015). Collection method: clinical testing. Allele origin: germline.
Comment: This variant is present in population databases (rs748674912, gnomAD 0.002%). In summary, the available evidence is currently insufficient to determine the role of this variant in disease. Therefore, it has been classified as a Variant of Uncertain Significance. Algorithms developed to predict the effect of sequence changes on RNA splicing suggest that this variant may create or strengthen a splice site. Algorithms developed to predict the effect of missense changes on protein structure and function are either unavailable or do not agree on the potential impact of this missense change (SIFT: "Deleterious"; PolyPhen-2: "Probably Damaging"; Align-GVGD: "Class C0"). This variant has not been reported in the literature in individuals affected with KIAA1549-related conditions. This sequence change replaces proline, which is neutral and non-polar, with arginine, which is basic and polar, at codon 489 of the KIAA1549 protein (p.Pro489Arg).

NM_001164665.2(KIAA1549):c.1466C>G (p.Pro489Arg)

Gene: KIAA1549 (KIAA1549; minus strand). Cytogenetic location: 7q34.
Variant type: single nucleotide variant.
Coding change: c.1466C>G on transcript NM_001164665.2 (MANE Select); coding-DNA position 1466, C replaced by G.
Protein change: p.Pro489Arg; replaces proline 489 with arginine.
Molecular consequence: missense variant.
Genome position (GRCh38, 1-based): chr7:138,918,160, G>C on the plus strand (C>G on the coding strand, the complement: KIAA1549 is on the minus strand). VCF-style: chr7-138918160-G-C. GRCh37 (hg19) VCF-style: chr7-138602906-G-C.
Other names: c.1466C>G, p.Pro489Arg (NM_020910.3); short protein forms P489R.
Identifiers: ClinVar variation 1962191 (VCV001962191.7), dbSNP rs748674912, ClinGen allele CA4506720.